The following is an entry in ClinVar:

ClinVar aggregate classification (germline): Pathogenic (1 of 4 stars; one submission).

Submission:

Athena Diagnostics
Classification: Pathogenic. Last evaluated: 2020-07-21. Review status: criteria provided, single submitter. Criteria: Athena Diagnostics Criteria. Collection method: clinical testing. Allele origin: unknown.
Comment: Duplication of the APP locus has been reported in multiple unrelated families and/or individuals with clinical features of Alzheimer's disease. This variant has not been reported in large, multi-ethnic general populations.

Literature cited by the submitters: PubMed 19684239; PubMed 28350801; PubMed 22156048; PubMed 25650802; PubMed 21193246; PubMed 16369530; PubMed 22491860; PubMed 19047566; PubMed 22044463; PubMed 16921174; PubMed 17442758.

Single allele

Gene: APP (amyloid beta precursor protein; minus strand). Cytogenetic location: 21q21.3.
Variant type: Duplication.
Identifiers: ClinVar variation 1807236 (VCV001807236.1).